The following is an entry in ClinVar:

NM_001849.4(COL6A2):c.1333-169C>T

Gene: COL6A2 (collagen type VI alpha 2 chain; plus strand). Cytogenetic location: 21q22.3.
Variant type: single nucleotide variant.
Coding change: c.1333-169C>T on transcript NM_001849.4 (MANE Select); 169 bases into the intron before coding-DNA position 1333, C replaced by T.
Molecular consequence: intron variant.
Genome position (GRCh38, 1-based): chr21:46,120,346, C>T. VCF-style: chr21-46120346-C-T. GRCh37 (hg19) VCF-style: chr21-47540260-C-T.
Other names: c.1333-169C>T (NM_058175.3, NM_058174.3).
Identifiers: ClinVar variation 679218 (VCV000679218.1), dbSNP rs13051514, ClinGen allele CA14865403.

ClinVar aggregate classification (germline): Benign (1 of 4 stars; one submission).

Allele frequency attached by ClinVar (database versions not stated): 1000 Genomes Project 30x 0.38320; 1000 Genomes Project 0.38738; TOPMed 0.43649; gnomAD 0.44664 and 0.44761.
gnomAD v4.1: 68,029 of 152,032 alleles (45%); highest among the groups gnomAD compares: Admixed American, 58%; 16,688 homozygotes.

Submission:

GeneDx
Classification: Benign. Last evaluated: 2018-06-14. Review status: criteria provided, single submitter. Criteria: GeneDx Variant Classification (06012015). Collection method: clinical testing. Allele origin: germline. Affected: yes.
Comment: This variant is considered likely benign or benign based on one or more of the following criteria: it is a conservative change, it occurs at a poorly conserved position in the protein, it is predicted to be benign by multiple in silico algorithms, and/or has population frequency not consistent with disease.